The following is an entry in ClinVar:

ClinVar aggregate classification (germline): Likely benign (0 of 4 stars; one submission).

Conditions:
NCOA1-related disorder. Also called: NCOA1-related condition.

gnomAD v4.1: 3 of 1,613,918 alleles (0.00019%); highest among the groups gnomAD compares: Non-Finnish European, 0.00017%; no homozygotes.

Submission:

PreventionGenetics, part of Exact Sciences
Classification: Likely benign for NCOA1-related condition. Last evaluated: 2020-12-04. Review status: no assertion criteria provided. Collection method: clinical testing. Allele origin: germline.
Comment: This variant is classified as likely benign based on ACMG/AMP sequence variant interpretation guidelines (Richards et al. 2015 PMID: 25741868, with internal and published modifications).

NM_003743.5(NCOA1):c.906T>G (p.Pro302=)

Gene: NCOA1 (nuclear receptor coactivator 1; plus strand). Cytogenetic location: 2p23.3.
Variant type: single nucleotide variant.
Coding change: c.906T>G on transcript NM_003743.5 (MANE Select); coding-DNA position 906, T replaced by G.
Protein change: p.Pro302=; no amino-acid change (proline 302 retained).
Molecular consequence: synonymous variant.
Genome position (GRCh38, 1-based): chr2:24,697,755, T>G. VCF-style: chr2-24697755-T-G. GRCh37 (hg19) VCF-style: chr2-24920624-T-G.
Other names: c.906T>G, p.Pro302= (NM_001362950.1, NM_001362952.1, NM_001362954.1 and 3 more transcripts).
Identifiers: ClinVar variation 3358381 (VCV003358381.1).